The following is an entry in ClinVar:

NM_080425.4(GNAS):c.1061T>C (p.Val354Ala)

Gene: GNAS (GNAS complex locus; plus strand). Cytogenetic location: 20q13.32.
Variant type: single nucleotide variant.
Coding change: c.1061T>C on transcript NM_080425.4 (MANE Plus Clinical); coding-DNA position 1061, T replaced by C.
Protein change: p.Val354Ala; replaces valine 354 with alanine.
Molecular consequence: missense variant. On other transcripts: synonymous variant (2), intron variant (3).
Genome position (GRCh38, 1-based): chr20:58,854,326, T>C. VCF-style: chr20-58854326-T-C. GRCh37 (hg19) VCF-style: chr20-57429381-T-C.
Other names: c.874T>C, p.Leu292= (NM_001077490.3, NM_001309883.1); c.1061T>C, p.Val354Ala (NM_001410913.1); c.*42+13440T>C (NM_016592.5); c.43+13440T>C (NM_001410912.1); c.-39+12451T>C (NM_001309861.2); short protein forms V354A.
Identifiers: ClinVar variation 4993827 (VCV004993827.1).

ClinVar aggregate classification (germline): Uncertain significance (1 of 4 stars; one submission).

Conditions:
GNAS-related disorder. Identifiers: MedGen CN380105.

gnomAD v4.1: 20 of 1,595,392 alleles (0.0013%); highest among the groups gnomAD compares: East Asian, 0.014%; no homozygotes.

Submission:

PreventionGenetics, part of Exact Sciences
Classification: Uncertain significance for GNAS-related condition. Last evaluated: 2025-09-22. Review status: criteria provided, single submitter. Criteria: ACMG Guidelines, 2015. Collection method: clinical testing. Allele origin: germline.
Comment: The GNAS c.1061T>C variant is predicted to result in the amino acid substitution p.Val354Ala. To our knowledge, this variant has not been reported in the literature. In the primary transcript NM_000516.5, this variant is located in a non-coding region (c.-37401T>C). This variant is reported in 0.0066% of alleles in individuals of East Asian descent in gnomAD. At this time, the clinical significance of this variant is uncertain due to the absence of conclusive functional and genetic evidence.